The following is an entry in ClinVar:

ClinVar aggregate classification (germline): Likely benign (1 of 4 stars; one submission).

Conditions:
ABCA4-related disorder. Also called: ABCA4-related condition; ABCA4-related disorders. Identifiers: MedGen CN239167.

Submission:

PreventionGenetics, part of Exact Sciences
Classification: Likely benign for ABCA4-related condition. Last evaluated: 2025-05-22. Review status: criteria provided, single submitter. Criteria: ACMG Guidelines, 2015. Collection method: clinical testing. Allele origin: germline.
Comment: This variant is classified as likely benign based on ACMG/AMP sequence variant interpretation guidelines (Richards et al. 2015 PMID: 25741868, with internal and published modifications).

NM_000350.3(ABCA4):c.4539+1092C>T

Gene: ABCA4 (ATP binding cassette subfamily A member 4; minus strand). Cytogenetic location: 1p22.1.
Variant type: single nucleotide variant.
Coding change: c.4539+1092C>T on transcript NM_000350.3 (MANE Select); 1092 bases into the intron after coding-DNA position 4539, C replaced by T.
Molecular consequence: intron variant.
Genome position (GRCh38, 1-based): chr1:94,028,353, G>A on the plus strand (C>T on the coding strand, the complement: ABCA4 is on the minus strand). VCF-style: chr1-94028353-G-A. GRCh37 (hg19) VCF-style: chr1-94493909-G-A.
Other names: c.4317+1092C>T (NM_001425324.1).
Identifiers: ClinVar variation 4985117 (VCV004985117.1).